The following is an entry in ClinVar:

ClinVar aggregate classification (germline): Uncertain significance. Review status: criteria provided, multiple submitters, no conflicts (2 of 4 stars). 2 submissions from 2 submitters: Uncertain significance (2). Last evaluated 2024-05-07.

Conditions:
Hereditary cancer-predisposing syndrome. Also called: Hereditary neoplastic syndrome; Neoplastic Syndromes, Hereditary; Hereditary Cancer Syndrome; Tumor predisposition. Identifiers: Orphanet 140162, MedGen C0027672, MeSH D009386, MONDO:0015356.

Allele frequency attached by ClinVar (database versions not stated): TOPMed below 0.00001.
gnomAD v4.1: 1 of 1,593,620 alleles (0.000063%); no homozygotes.

Submissions (2):

Ambry Genetics
Classification: Uncertain significance for Hereditary cancer-predisposing syndrome. Last evaluated: 2024-05-07. Review status: criteria provided, single submitter. Criteria: Ambry Variant Classification Scheme 2023. Collection method: clinical testing. Allele origin: germline.
Comment: The p.G51E variant (also known as c.152G>A), located in coding exon 3 of the XRCC2 gene, results from a G to A substitution at nucleotide position 152. The glycine at codon 51 is replaced by glutamic acid, an amino acid with similar properties. This amino acid position is highly conserved in available vertebrate species. In addition, this alteration is predicted to be deleterious by in silico analysis. Since supporting evidence is limited at this time, the clinical significance of this alteration remains unclear.

Labcorp Genetics (formerly Invitae), Labcorp
Classification: Uncertain significance. Last evaluated: 2021-05-31. Review status: criteria provided, single submitter. Criteria: Invitae Variant Classification Sherloc (09022015). Collection method: clinical testing. Allele origin: germline.
Comment: This variant has not been reported in the literature in individuals with XRCC2-related conditions. This variant is not present in population databases (ExAC no frequency). This sequence change replaces glycine with glutamic acid at codon 51 of the XRCC2 protein (p.Gly51Glu). The glycine residue is highly conserved and there is a moderate physicochemical difference between glycine and glutamic acid. In summary, the available evidence is currently insufficient to determine the role of this variant in disease. Therefore, it has been classified as a Variant of Uncertain Significance. Algorithms developed to predict the effect of missense changes on protein structure and function (SIFT, PolyPhen-2, Align-GVGD) all suggest that this variant is likely to be disruptive, but these predictions have not been confirmed by published functional studies and their clinical significance is uncertain.

NM_005431.2(XRCC2):c.152G>A (p.Gly51Glu)

Gene: XRCC2 (X-ray repair cross complementing 2; minus strand). Cytogenetic location: 7q36.1.
Variant type: single nucleotide variant.
Coding change: c.152G>A on transcript NM_005431.2 (MANE Select); coding-DNA position 152, G replaced by A.
Protein change: p.Gly51Glu; replaces glycine 51 with glutamic acid.
Molecular consequence: missense variant.
Genome position (GRCh38, 1-based): chr7:152,649,333, C>T on the plus strand (G>A on the coding strand, the complement: XRCC2 is on the minus strand). VCF-style: chr7-152649333-C-T. GRCh37 (hg19) VCF-style: chr7-152346418-C-T.
Other names: short protein forms G51E.
Identifiers: ClinVar variation 658623 (VCV000658623.12), dbSNP rs1590129803, ClinGen allele CA370199312.
Genomic context (GRCh38, chr7:152,649,333, plus strand): 5'-TCTGATTTGGGAAGTATACATCGTGCTGTTAGGTGATAAAGCATTTCTGTTTTTCCTGTT[C>T]CTTCTGGGCCATGAAATTCAAGAATATCACCTGTGTAAAATTTAAAAATCTCAGTCAAAA-3'
Protein context (NP_005422.1, residues 41-61): GDILEFHGPE[Gly51Glu]TGKTEMLYHL